The following is an entry in ClinVar:

NM_003105.6(SORL1):c.5966T>C (p.Val1989Ala)

Gene: SORL1 (sortilin related receptor 1; plus strand). Cytogenetic location: 11q24.1.
Variant type: single nucleotide variant.
Coding change: c.5966T>C on transcript NM_003105.6 (MANE Select); coding-DNA position 5966, T replaced by C.
Protein change: p.Val1989Ala; replaces valine 1989 with alanine.
Molecular consequence: missense variant.
Genome position (GRCh38, 1-based): chr11:121,621,140, T>C. VCF-style: chr11-121621140-T-C. GRCh37 (hg19) VCF-style: chr11-121491849-T-C.
Other names: short protein forms V1989A.
Identifiers: ClinVar variation 2327084 (VCV002327084.5), dbSNP rs149980303, ClinGen allele CA6330135.

ClinVar aggregate classification (germline): Uncertain significance. Review status: criteria provided, multiple submitters, no conflicts (2 of 4 stars). 2 submissions from 2 submitters: Uncertain significance (2). Last evaluated 2025-08-09.

Allele frequency attached by ClinVar (database versions not stated): gnomAD exomes 0.00002; ExAC 0.00005; ESP Exome Variant Server 0.00008; TOPMed 0.00020; gnomAD 0.00024.
gnomAD v4.1: 66 of 1,614,072 alleles (0.0041%); highest among the groups gnomAD compares: African/African-American, 0.084%; no homozygotes.

Submissions (2):

Ambry Genetics
Classification: Uncertain significance. Last evaluated: 2025-08-09. Review status: criteria provided, single submitter. Criteria: Ambry Variant Classification Scheme 2023. Collection method: clinical testing. Allele origin: germline.

Labcorp Genetics (formerly Invitae), Labcorp
Classification: Uncertain significance. Last evaluated: 2024-04-06. Review status: criteria provided, single submitter. Criteria: Invitae Variant Classification Sherloc (09022015). Collection method: clinical testing. Allele origin: germline.
Comment: This sequence change replaces valine, which is neutral and non-polar, with alanine, which is neutral and non-polar, at codon 1989 of the SORL1 protein (p.Val1989Ala). This variant is present in population databases (rs149980303, gnomAD 0.07%), and has an allele count higher than expected for a pathogenic variant. This variant has not been reported in the literature in individuals affected with SORL1-related conditions. ClinVar contains an entry for this variant (Variation ID: 2327084). An algorithm developed to predict the effect of missense changes on protein structure and function (PolyPhen-2) suggests that this variant is likely to be disruptive. In summary, the available evidence is currently insufficient to determine the role of this variant in disease. Therefore, it has been classified as a Variant of Uncertain Significance.